The following is an entry in ClinVar:

NM_015072.5(TTLL5):c.3741-12T>A

Gene: TTLL5 (tubulin tyrosine ligase like 5; plus strand). Cytogenetic location: 14q24.3.
Variant type: single nucleotide variant.
Coding change: c.3741-12T>A on transcript NM_015072.5 (MANE Select); 12 bases into the intron before coding-DNA position 3741, T replaced by A.
Molecular consequence: intron variant.
Genome position (GRCh38, 1-based): chr14:75,902,130, T>A. VCF-style: chr14-75902130-T-A. GRCh37 (hg19) VCF-style: chr14-76368473-T-A.
Identifiers: ClinVar variation 2134552 (VCV002134552.4), dbSNP rs2032949728, ClinGen allele CA2147694025.

ClinVar aggregate classification (germline): Uncertain significance (1 of 4 stars; one submission).

Allele frequency attached by ClinVar (database versions not stated): TOPMed below 0.00001.

Submission:

Labcorp Genetics (formerly Invitae), Labcorp
Classification: Uncertain significance. Last evaluated: 2022-05-06. Review status: criteria provided, single submitter. Criteria: Invitae Variant Classification Sherloc (09022015). Collection method: clinical testing. Allele origin: germline.
Comment: In summary, the available evidence is currently insufficient to determine the role of this variant in disease. Therefore, it has been classified as a Variant of Uncertain Significance. Algorithms developed to predict the effect of sequence changes on RNA splicing suggest that this variant may disrupt the consensus splice site. This variant has not been reported in the literature in individuals affected with TTLL5-related conditions. This variant is not present in population databases (gnomAD no frequency). This sequence change falls in intron 30 of the TTLL5 gene. It does not directly change the encoded amino acid sequence of the TTLL5 protein.